The following is an entry in ClinVar:

ClinVar aggregate classification (germline): Uncertain significance. Review status: criteria provided, multiple submitters, no conflicts (2 of 4 stars). 2 submissions from 2 submitters: Uncertain significance (2). Last evaluated 2025-09-30.

Conditions:
C3 glomerulonephritis. Also called: C3 GLOMERULOPATHY 3; Nephropathy due to CFHR5 Deficiency. Identifiers: Orphanet 329931, MedGen C4055342, MONDO:0013892, OMIM 614809.

gnomAD v4.1: 1 of 1,614,084 alleles (0.000062%); highest among the groups gnomAD compares: African/African-American, 0.0013%; no homozygotes.

Submissions (2):

Genomenon, Inc
Classification: Uncertain significance for C3 glomerulonephritis. Last evaluated: 2025-09-30. Review status: criteria provided, single submitter. Criteria: Genomenon Sequence Variant Interpretation Standards. Collection method: curation. Allele origin: germline. Affected: yes.
Comment: C3 p.Asp588Tyr (c.1762G>T) is a missense variant that changes the amino acid at residue 588 from Aspartic acid to Tyrosine. This variant has been observed in at least one proband affected with C3 glomerulonephritis (PMID:29326307). It is absent or not present at a significant frequency in gnomAD. In silico models agree that this variant is not damaging. In conclusion, we classify C3 p.Asp588Tyr (c.1762G>T) as a variant of unknown significance.

Labcorp Genetics (formerly Invitae), Labcorp
Classification: Uncertain significance. Last evaluated: 2024-05-01. Review status: criteria provided, single submitter. Criteria: Invitae Variant Classification Sherloc (09022015). Collection method: clinical testing. Allele origin: germline.
Comment: This sequence change replaces aspartic acid, which is acidic and polar, with tyrosine, which is neutral and polar, at codon 588 of the C3 protein (p.Asp588Tyr). This variant is present in population databases (no rsID available, gnomAD 0.007%). This variant has not been reported in the literature in individuals affected with C3-related conditions. Advanced modeling of protein sequence and biophysical properties (such as structural, functional, and spatial information, amino acid conservation, physicochemical variation, residue mobility, and thermodynamic stability) performed at Invitae indicates that this missense variant is expected to disrupt C3 protein function with a positive predictive value of 80%. In summary, the available evidence is currently insufficient to determine the role of this variant in disease. Therefore, it has been classified as a Variant of Uncertain Significance.

Literature cited by the submitters: PubMed 29326307 (cited by Genomenon, Inc).

NM_000064.4(C3):c.1762G>T (p.Asp588Tyr)

Gene: C3 (complement C3; minus strand). Cytogenetic location: 19p13.3.
Variant type: single nucleotide variant.
Coding change: c.1762G>T on transcript NM_000064.4 (MANE Select); coding-DNA position 1762, G replaced by T.
Protein change: p.Asp588Tyr; replaces aspartic acid 588 with tyrosine.
Molecular consequence: missense variant.
Genome position (GRCh38, 1-based): chr19:6,709,767, C>A on the plus strand (G>T on the coding strand, the complement: C3 is on the minus strand). VCF-style: chr19-6709767-C-A. GRCh37 (hg19) VCF-style: chr19-6709778-C-A.
Other names: short protein forms D588Y.
Identifiers: ClinVar variation 3689981 (VCV003689981.3).